The following is an entry in ClinVar:

NM_001277115.2(DNAH11):c.10174C>T (p.Arg3392Cys)

Gene: DNAH11 (dynein axonemal heavy chain 11; plus strand). Cytogenetic location: 7p15.3.
Variant type: single nucleotide variant.
Coding change: c.10174C>T on transcript NM_001277115.2 (MANE Select); coding-DNA position 10174, C replaced by T.
Protein change: p.Arg3392Cys; replaces arginine 3392 with cysteine.
Molecular consequence: missense variant.
Genome position (GRCh38, 1-based): chr7:21,807,891, C>T. VCF-style: chr7-21807891-C-T. GRCh37 (hg19) VCF-style: chr7-21847509-C-T.
Other names: NM_001277115.2:c.10174C>T; short protein forms R3392C.
Identifiers: ClinVar variation 3776944 (VCV003776944.1).

ClinVar aggregate classification (germline): Uncertain significance (1 of 4 stars; one submission).

Conditions:
Primary ciliary dyskinesia 7. Also called: CILIARY DYSKINESIA, PRIMARY, 7, WITH OR WITHOUT SITUS INVERSUS. Identifiers: Orphanet 244, MedGen C2678473, MONDO:0012748, OMIM 611884.

gnomAD v4.1: 49 of 1,592,352 alleles (0.0031%); highest among the groups gnomAD compares: Admixed American, 0.0084%; no homozygotes.

Submission:

Broad Center for Mendelian Genomics, Broad Institute of MIT and Harvard
Classification: Uncertain significance for Primary ciliary dyskinesia 7. Last evaluated: 2025-02-19. Review status: criteria provided, single submitter. Criteria: ACMG Guidelines, 2015. Collection method: curation. Allele origin: germline. Inheritance: Autosomal recessive inheritance.
Comment: The p.Arg3392Cys variant in DNAH11 has been reported in 1 individual with primary ciliary dyskinesia (PMID: 29363216), and has been identified in 0.008% (5/59524) of Admixed American chromosomes by the Genome Aggregation Database (gnomAD; dbSNP rs377296775). Although this variant has been seen in the general population in a heterozygous state, its frequency is low enough to be consistent with a recessive carrier frequency. Computational prediction tools and conservation analyses suggest that this variant may impact the protein, though this information is not predictive enough to determine pathogenicity. In summary, the clinical significance of the p.Arg3392Cys variant is uncertain. ACMG/AMP Criteria applied: PP3, PM2_supporting (Richards 2015).